The following is an entry in ClinVar:

ClinVar aggregate classification (germline): Uncertain significance (1 of 4 stars; one submission).

Conditions:
RASopathy. Also called: rasopathies; Noonan spectrum disorder. Identifiers: Orphanet 536391, MedGen C5555857, MONDO:0021060.

Submission:

Labcorp Genetics (formerly Invitae), Labcorp
Classification: Uncertain significance for RASopathy. Last evaluated: 2022-02-24. Review status: criteria provided, single submitter. Criteria: Invitae Variant Classification Sherloc (09022015). Collection method: clinical testing. Allele origin: germline.
Comment: In summary, the available evidence is currently insufficient to determine the role of this variant in disease. Therefore, it has been classified as a Variant of Uncertain Significance. Algorithms developed to predict the effect of missense changes on protein structure and function are either unavailable or do not agree on the potential impact of this missense change (SIFT: "Tolerated"; PolyPhen-2: "Probably Damaging"; Align-GVGD: "Class C0"). ClinVar contains an entry for this variant (Variation ID: 847371). This variant has not been reported in the literature in individuals affected with SOS1-related conditions. This variant is not present in population databases (gnomAD no frequency). This sequence change replaces asparagine, which is neutral and polar, with lysine, which is basic and polar, at codon 1329 of the SOS1 protein (p.Asn1329Lys).

NM_005633.4(SOS1):c.3987T>A (p.Asn1329Lys)

Gene: SOS1 (SOS Ras/Rac guanine nucleotide exchange factor 1; minus strand). Cytogenetic location: 2p22.1.
Variant type: single nucleotide variant.
Coding change: c.3987T>A on transcript NM_005633.4 (MANE Select); coding-DNA position 3987, T replaced by A.
Protein change: p.Asn1329Lys; replaces asparagine 1329 with lysine.
Molecular consequence: missense variant.
Genome position (GRCh38, 1-based): chr2:38,985,839, A>T on the plus strand (T>A on the coding strand, the complement: SOS1 is on the minus strand). VCF-style: chr2-38985839-A-T. GRCh37 (hg19) VCF-style: chr2-39212980-A-T.
Other names: c.3966T>A, p.Asn1322Lys (NM_001382394.1); c.3942T>A, p.Asn1314Lys (NM_001382395.1); short protein forms N1329K, N1314K, N1322K.
Identifiers: ClinVar variation 847371 (VCV000847371.9), dbSNP rs936986823, ClinGen allele CA346361878.